The following is an entry in ClinVar:

ClinVar aggregate classification (germline): Uncertain significance (1 of 4 stars; one submission).

Submission:

Labcorp Genetics (formerly Invitae), Labcorp
Classification: Uncertain significance. Last evaluated: 2023-04-24. Review status: criteria provided, single submitter. Criteria: Invitae Variant Classification Sherloc (09022015). Collection method: clinical testing. Allele origin: germline.
Comment: In summary, the available evidence is currently insufficient to determine the role of this variant in disease. Therefore, it has been classified as a Variant of Uncertain Significance. Variants that disrupt the consensus splice site are a relatively common cause of aberrant splicing (PMID: 17576681, 9536098). Algorithms developed to predict the effect of sequence changes on RNA splicing suggest that this variant is not likely to affect RNA splicing. ClinVar contains an entry for this variant (Variation ID: 1373162). This variant has not been reported in the literature in individuals affected with IGF2-related conditions. This variant is not present in population databases (gnomAD no frequency). This sequence change falls in intron 3 of the IGF2 gene. It does not directly change the encoded amino acid sequence of the IGF2 protein. It affects a nucleotide within the consensus splice site.

Literature cited by the submitters: PubMed 17576681; PubMed 9536098.

NM_000612.6(IGF2):c.307-3C>T

Genes: IGF2 (insulin like growth factor 2; minus strand), INS-IGF2 (INS-IGF2 readthrough; minus strand). Cytogenetic location: 11p15.5.
Variant type: single nucleotide variant.
Coding change: c.307-3C>T on transcript NM_000612.6 (MANE Select); 3 bases into the intron before coding-DNA position 307, C replaced by T.
Molecular consequence: intron variant.
Genome position (GRCh38, 1-based): chr11:2,133,226, G>A on the plus strand (C>T on the coding strand, the complement: IGF2 is on the minus strand). VCF-style: chr11-2133226-G-A. GRCh37 (hg19) VCF-style: chr11-2154456-G-A.
Other names: c.307-3C>T (NM_001007139.6, NM_001291862.3, NM_001291861.3); c.475-3C>T (NM_001127598.3).
Identifiers: ClinVar variation 1373162 (VCV001373162.6), dbSNP rs2133583375, ClinGen allele CA2573145940.
Genomic context (GRCh38, chr11:2,133,226, plus strand): 5'-ACTGCTTCCAGGTGTCATATTGGAAGAACTTGCCCACGGGGTATCTGGGGAAGTTGTCCT[G>A]GGAGGGGAAGGGGCTGGTCAGCAGGTGCCTGCTCTCCACGCTCTTCCGCCTGAGCCGCCC-3'